The following is an entry in ClinVar:

NM_001903.5(CTNNA1):c.1747+3A>G

Gene: CTNNA1 (catenin alpha 1; plus strand). Cytogenetic location: 5q31.2.
Variant type: single nucleotide variant.
Coding change: c.1747+3A>G on transcript NM_001903.5 (MANE Select); 3 bases into the intron after coding-DNA position 1747, A replaced by G.
Molecular consequence: intron variant.
Genome position (GRCh38, 1-based): chr5:138,924,713, A>G. VCF-style: chr5-138924713-A-G. GRCh37 (hg19) VCF-style: chr5-138260402-A-G.
Other names: c.1747+3A>G (NM_001323982.2, NM_001323984.2, NM_001290307.3 and 3 more transcripts); c.1654+3A>G (NM_001323986.2); c.1378+3A>G (NM_001290310.3); c.1438+3A>G (NM_001290309.3); c.637+3A>G (NM_001323996.1, NM_001323993.1, NM_001324005.1 and 17 more transcripts); c.298+3A>G (NM_001324007.1, NM_001324009.1, NM_001324006.1 and 2 more transcripts); c.394+3A>G (NM_001324013.1, NM_001324012.1); c.544+3A>G (NM_001324011.1).
Identifiers: ClinVar variation 648029 (VCV000648029.9), dbSNP rs1580856199, ClinGen allele CA915942573.

ClinVar aggregate classification (germline): Uncertain significance. Review status: criteria provided, multiple submitters, no conflicts (2 of 4 stars). 2 submissions from 2 submitters: Uncertain significance (2). Last evaluated 2024-07-01.

Conditions:
Hereditary cancer-predisposing syndrome. Also called: Neoplastic Syndromes, Hereditary; Tumor predisposition; Hereditary Cancer Syndrome; Hereditary neoplastic syndrome. Identifiers: Orphanet 140162, MedGen C0027672, MeSH D009386, MONDO:0015356.

Allele frequency attached by ClinVar (database versions not stated): gnomAD exomes below 0.00001.
gnomAD v4.1: 1 of 1,562,424 alleles (0.000064%); highest among the groups gnomAD compares: Non-Finnish European, 0.000087%; no homozygotes.

Submissions (2):

Ambry Genetics
Classification: Uncertain significance for Hereditary cancer-predisposing syndrome. Last evaluated: 2024-07-01. Review status: criteria provided, single submitter. Criteria: Ambry Variant Classification Scheme 2023. Collection method: clinical testing. Allele origin: germline.
Comment: The c.1747+3A>G intronic variant results from an A to G substitution 3 nucleotides after coding exon 11 in the CTNNA1 gene. This nucleotide position is poorly conserved in available vertebrate species. In silico splice site analysis predicts that this alteration will not have any significant effect on splicing. The evidence for this gene-disease relationship is limited; therefore, the clinical significance of this alteration is unclear.

Labcorp Genetics (formerly Invitae), Labcorp
Classification: Uncertain significance. Last evaluated: 2019-10-29. Review status: criteria provided, single submitter. Criteria: Invitae Variant Classification Sherloc (09022015). Collection method: clinical testing. Allele origin: germline.
Comment: In summary, the available evidence is currently insufficient to determine the role of this variant in disease. Therefore, it has been classified as a Variant of Uncertain Significance. Nucleotide substitutions within the consensus splice site are a relatively common cause of aberrant splicing (PMID: 17576681, 9536098). Algorithms developed to predict the effect of sequence changes on RNA splicing suggest that this variant may disrupt the consensus splice site, but this prediction has not been confirmed by published transcriptional studies. This variant has not been reported in the literature in individuals with CTNNA1-related disease. This variant is not present in population databases (ExAC no frequency). This sequence change falls in intron 12 of the CTNNA1 gene. It does not directly change the encoded amino acid sequence of the CTNNA1 protein, but it affects a nucleotide within the consensus splice site of the intron.

Literature cited by the submitters: PubMed 17576681 (cited by Labcorp Genetics (formerly Invitae), Labcorp); PubMed 9536098 (cited by Labcorp Genetics (formerly Invitae), Labcorp).